The following is an entry in ClinVar:

NM_001080453.3(INTS1):c.6499A>G (p.Met2167Val)

Gene: INTS1 (integrator complex subunit 1; minus strand). Cytogenetic location: 7p22.3.
Variant type: single nucleotide variant.
Coding change: c.6499A>G on transcript NM_001080453.3 (MANE Select); coding-DNA position 6499, A replaced by G.
Protein change: p.Met2167Val; replaces methionine 2167 with valine.
Molecular consequence: missense variant.
Genome position (GRCh38, 1-based): chr7:1,470,651, T>C on the plus strand (A>G on the coding strand, the complement: INTS1 is on the minus strand). VCF-style: chr7-1470651-T-C. GRCh37 (hg19) VCF-style: chr7-1510287-T-C.
Other names: short protein forms M2167V.
Identifiers: ClinVar variation 1691135 (VCV001691135.4), dbSNP rs780849947, ClinGen allele CA152506462.
Genomic context (GRCh38, chr7:1,470,651, plus strand): 5'-CCATATGCAGGATCCTCAGGGCCTCGGAGATCTGCGCGCTGGGGTCCATCTGGCCGTACA[T>C]GCCCACCAGGAAGGCCCGGTGGAGCAGCACAGCCGCGTGCTCTGTGGGGGAAACGGGGCC-3'
Protein context (NP_001073922.2, residues 2157-2177): VLLHRAFLVG[Met2167Val]YGQMDPSAQI

ClinVar aggregate classification (germline): Uncertain significance. Review status: criteria provided, multiple submitters, no conflicts (2 of 4 stars). 2 submissions from 2 submitters: Uncertain significance (2). Last evaluated 2025-01-16.

Conditions:
Inborn genetic diseases. Identifiers: MedGen C0950123, MeSH D030342.

Allele frequency attached by ClinVar (database versions not stated): TOPMed 0.00001.
gnomAD v4.1: 64 of 1,586,140 alleles (0.004%); highest among the groups gnomAD compares: South Asian, 0.0057%; no homozygotes.

Submissions (2):

GeneDx
Classification: Uncertain significance. Last evaluated: 2025-01-16. Review status: criteria provided, single submitter. Criteria: GeneDx Variant Classification Process June 2021. Collection method: clinical testing. Allele origin: germline. Affected: yes.
Comment: In silico analysis indicates that this missense variant does not alter protein structure/function; Has not been previously published as pathogenic or benign to our knowledge; Not observed at significant frequency in large population cohorts (gnomAD)

Ambry Genetics
Classification: Uncertain significance for Inborn genetic diseases. Last evaluated: 2024-09-04. Review status: criteria provided, single submitter. Criteria: Ambry Variant Classification Scheme 2023. Collection method: clinical testing. Allele origin: germline.